The following is an entry in ClinVar:

ClinVar aggregate classification (germline): Likely benign (1 of 4 stars; one submission).

gnomAD v4.1: 302 of 1,614,098 alleles (0.019%); highest among the groups gnomAD compares: East Asian, 0.64%; 2 homozygotes.

Submission:

CeGaT Center for Human Genetics Tuebingen
Classification: Likely benign. Last evaluated: 2024-09-01. Review status: criteria provided, single submitter. Criteria: CeGaT Center For Human Genetics Tuebingen Variant Classification Criteria Version 2. Collection method: clinical testing. Allele origin: germline. Affected: yes. Observed: 1 variant allele.
Comment: PLCB2: BP4

NM_004573.3(PLCB2):c.3138G>C (p.Lys1046Asn)

Gene: PLCB2 (phospholipase C beta 2; minus strand). Cytogenetic location: 15q15.1.
Variant type: single nucleotide variant.
Coding change: c.3138G>C on transcript NM_004573.3 (MANE Select); coding-DNA position 3138, G replaced by C.
Protein change: p.Lys1046Asn; replaces lysine 1046 with asparagine.
Molecular consequence: missense variant.
Genome position (GRCh38, 1-based): chr15:40,290,648, C>G on the plus strand (G>C on the coding strand, the complement: PLCB2 is on the minus strand). VCF-style: chr15-40290648-C-G. GRCh37 (hg19) VCF-style: chr15-40582849-C-G.
Other names: c.3126G>C, p.Lys1042Asn (NM_001284297.2); c.3093G>C, p.Lys1031Asn (NM_001284298.2); short protein forms K1031N, K1042N, K1046N.
Identifiers: ClinVar variation 3388321 (VCV003388321.14).
Genomic context (GRCh38, chr15:40,290,648, plus strand): 5'-CATCTTGTCTGTGGTGACTTTGGTCATGCCCTGGATCCGCTCCAGTCTCTTTGTCTCCAG[C>G]TTTTTCTTCATCTCTTTGGTGTCGCTGCAGAGAGACAGGCATGAAGGAGCTGTTTTGTGC-3'
Protein context (NP_004564.2, residues 1036-1056): SENDTKEMKK[Lys1046Asn]LETKRLERIQ